The following is an entry in ClinVar:

NM_000352.6(ABCC8):c.215A>G (p.Asn72Ser)

Gene: ABCC8 (ATP binding cassette subfamily C member 8; minus strand). Cytogenetic location: 11p15.1.
Variant type: single nucleotide variant.
Coding change: c.215A>G on transcript NM_000352.6 (MANE Select); coding-DNA position 215, A replaced by G.
Protein change: p.Asn72Ser; replaces asparagine 72 with serine.
Molecular consequence: missense variant. On other transcripts: non-coding transcript variant (1).
Genome position (GRCh38, 1-based): chr11:17,474,961, T>C on the plus strand (A>G on the coding strand, the complement: ABCC8 is on the minus strand). VCF-style: chr11-17474961-T-C. GRCh37 (hg19) VCF-style: chr11-17496508-T-C.
Other names: c.215A>G, p.Asn72Ser (NM_001287174.3, NM_001351295.2, NM_001351296.2 and 1 more transcripts); short protein forms N72S.
Identifiers: ClinVar variation 9107 (VCV000009107.8), dbSNP rs80356634, ClinGen allele CA340870.
Genomic context (GRCh38, chr11:17,474,961, plus strand): 5'-CCCTCTGCAATCTCACACACCAGGACGAAGAGCAGCATGAAGGTCAGGATCCACCGCAGG[T>C]TGTGCCCAGGGAAATGAAGCCATGTGCTGTGGTGGATGTGCACCTTGGAGCTCTGACTTC-3'
Protein context (NP_000343.2, residues 62-82): HSTWLHFPGH[Asn72Ser]LRWILTFMLL

ClinVar aggregate classification (germline): Conflicting classifications of pathogenicity. Review status: criteria provided, conflicting classifications (1 of 4 stars). 4 submissions from 4 submitters: Likely pathogenic (1); Uncertain significance (1). 2 of the submissions do not count toward it. Last evaluated 2025-06-10.

Conditions:
Diabetes mellitus, permanent neonatal 3. Also called: ABCC8-Related Permanent Neonatal Diabetes Mellitus. Identifiers: MedGen C5394303, MONDO:0030088, OMIM 618857.
Permanent neonatal diabetes mellitus (PNDM). Identifiers: Orphanet 99885, MedGen C1833104, MONDO:0100164, MONDO:0011643. Disease mechanism: gain of function.
Type 2 diabetes mellitus. Also called: Type II diabetes mellitus. Identifiers: MedGen C0011860, MeSH D003924, MONDO:0005148, OMIM 125853, HP:0005978.

Allele frequency attached by ClinVar (database versions not stated): gnomAD exomes below 0.00001.
gnomAD v4.1: 1 of 1,614,126 alleles (0.000062%); highest among the groups gnomAD compares: Admixed American, 0.0017%; no homozygotes.

Submissions (4):

Women's Health and Genetics/Laboratory Corporation of America, LabCorp
Classification: Uncertain significance. Last evaluated: 2025-06-10. Review status: criteria provided, single submitter. Criteria: LabCorp Variant Classification Summary - May 2015. Collection method: clinical testing. Allele origin: germline.
Comment: Variant summary: ABCC8 c.215A>G (p.Asn72Ser) results in a conservative amino acid change in the encoded protein sequence. Algorithms developed to predict the effect of missense changes on protein structure and function are either unavailable or do not agree on the potential impact of this missense change. The variant was absent in 251386 control chromosomes (gnomAD). The available data on variant occurrences in the general population are insufficient to allow any conclusion about variant significance. c.215A>G has been observed in an individual affected with Neonatal Diabetes Mellitus who had a mosaic segmental paternal uniparental isodisomy inheritance (Ellard_2007, Shield_2008). These data do not allow any conclusion about variant significance. At least one publication reports experimental evidence evaluating an impact on protein function, finding that the variant resulted in a small increase in channel current and reduced sensitivity to inhibition by MgATP (Shield_2008). The following publications have been ascertained in the context of this evaluation (PMID: 17668386, 17942821). ClinVar contains an entry for this variant (Variation ID: 9107). Based on the evidence outlined above, the variant was classified as uncertain significance.

Baylor Genetics
Classification: Likely pathogenic for Type 2 diabetes mellitus. Last evaluated: 2023-04-13. Review status: criteria provided, single submitter. Criteria: ACMG Guidelines, 2015. Collection method: clinical testing. Allele origin: unknown.

OMIM
Classification: Pathogenic for DIABETES MELLITUS, PERMANENT NEONATAL, 3. Last evaluated: 2007-08-01. Review status: no assertion criteria provided. Collection method: literature only. Allele origin: germline. Not counted in ClinVar's aggregate classification.

GeneReviews
No classification provided. Condition: Permanent neonatal diabetes mellitus. Review status: no classification provided. Collection method: literature only. Allele origin: unknown. Not counted in ClinVar's aggregate classification.

Literature cited by the submitters: PubMed 17668386 (cited by 3 submitters); PubMed 17942821 (cited by Women's Health and Genetics/Laboratory Corporation of America, LabCorp); PubMed 20301620 (cited by GeneReviews); NCBI Bookshelf NBK1447 (cited by GeneReviews).